The following is an entry in ClinVar:

NM_133433.4(NIPBL):c.2509C>T (p.Gln837Ter)

Gene: NIPBL (NIPBL cohesin loading factor; plus strand). Cytogenetic location: 5p13.2.
Variant type: single nucleotide variant.
Coding change: c.2509C>T on transcript NM_133433.4 (MANE Select); coding-DNA position 2509, C replaced by T.
Protein change: p.Gln837Ter; replaces glutamine 837 with a stop codon.
Molecular consequence: nonsense.
Genome position (GRCh38, 1-based): chr5:36,985,689, C>T. VCF-style: chr5-36985689-C-T. GRCh37 (hg19) VCF-style: chr5-36985791-C-T.
Other names: c.2509C>T, p.Gln837Ter (NM_015384.5); short protein forms Q837*.
Identifiers: ClinVar variation 2092255 (VCV002092255.4), dbSNP rs2477932831, ClinGen allele CA359501887.

ClinVar aggregate classification (germline): Pathogenic (1 of 4 stars; one submission).

Conditions:
Cornelia de Lange syndrome 1 (CDLS1). Also called: Brachmann de Lange syndrome; NIPBL-Related Cornelia de Lange Syndrome; TYPUS DEGENERATIVUS AMSTELODAMENSIS. Identifiers: Orphanet 199, MedGen C4551851, MONDO:0007387, OMIM 122470.

Submission:

Labcorp Genetics (formerly Invitae), Labcorp
Classification: Pathogenic for Cornelia de Lange syndrome 1. Last evaluated: 2022-02-03. Review status: criteria provided, single submitter. Criteria: Invitae Variant Classification Sherloc (09022015). Collection method: clinical testing. Allele origin: germline.
Comment: This variant has not been reported in the literature in individuals affected with NIPBL-related conditions. For these reasons, this variant has been classified as Pathogenic. This sequence change creates a premature translational stop signal (p.Gln837*) in the NIPBL gene. It is expected to result in an absent or disrupted protein product. Loss-of-function variants in NIPBL are known to be pathogenic (PMID: 15318302, 19763162, 23505322, 29995837). This variant is not present in population databases (gnomAD no frequency).

Literature cited by the submitters: PubMed 15318302; PubMed 19763162; PubMed 23505322; PubMed 29995837.